The following is an entry in ClinVar:

NM_000083.3(CLCN1):c.288T>G (p.Tyr96Ter)

Gene: CLCN1 (chloride voltage-gated channel 1; plus strand). Cytogenetic location: 7q34.
Variant type: single nucleotide variant.
Coding change: c.288T>G on transcript NM_000083.3 (MANE Select); coding-DNA position 288, T replaced by G.
Protein change: p.Tyr96Ter; replaces tyrosine 96 with a stop codon.
Molecular consequence: nonsense. On other transcripts: non-coding transcript variant (1).
Genome position (GRCh38, 1-based): chr7:143,319,862, T>G. VCF-style: chr7-143319862-T-G. GRCh37 (hg19) VCF-style: chr7-143016955-T-G.
Other names: short protein forms Y96*.
Identifiers: ClinVar variation 3756120 (VCV003756120.2).

ClinVar aggregate classification (germline): Pathogenic (1 of 4 stars; one submission).

Conditions:
Congenital myotonia, autosomal dominant form (THD). Also called: THOMSEN DISEASE; Myotonia congenita autosomal dominant. Identifiers: Orphanet 614, MedGen C2936781, MONDO:0008055, OMIM 160800.
Congenital myotonia, autosomal recessive form. Also called: Becker Generalized Myotonia; myotonia congenita, autosomal recessive; BECKER DISEASE. Identifiers: Orphanet 614, MedGen C0751360, MONDO:0009715, OMIM 255700.

Submission:

Labcorp Genetics (formerly Invitae), Labcorp
Classification: Pathogenic for Congenital myotonia, autosomal recessive form; Congenital myotonia, autosomal dominant form. Last evaluated: 2024-04-30. Review status: criteria provided, single submitter. Criteria: Invitae Variant Classification Sherloc (09022015). Collection method: clinical testing. Allele origin: germline.
Comment: This sequence change creates a premature translational stop signal (p.Tyr96*) in the CLCN1 gene. It is expected to result in an absent or disrupted protein product. Loss-of-function variants in CLCN1 are known to be pathogenic (PMID: 17932099, 22094069, 23739125). This variant is not present in population databases (gnomAD no frequency). This variant has not been reported in the literature in individuals affected with CLCN1-related conditions. Algorithms developed to predict the effect of sequence changes on RNA splicing suggest that this variant may disrupt the consensus splice site. For these reasons, this variant has been classified as Pathogenic.

Literature cited by the submitters: PubMed 17932099; PubMed 22094069; PubMed 23739125.